The following is an entry in ClinVar:

NM_016111.4(TELO2):c.1A>T (p.Met1Leu)

Gene: TELO2 (telomere maintenance 2; plus strand). Cytogenetic location: 16p13.3.
Variant type: single nucleotide variant.
Coding change: c.1A>T on transcript NM_016111.4 (MANE Select); coding-DNA position 1, A replaced by T.
Protein change: p.Met1Leu; changes the start codon (methionine 1).
Molecular consequence: missense variant, initiator codon variant.
Genome position (GRCh38, 1-based): chr16:1,494,282, A>T. VCF-style: chr16-1494282-A-T. GRCh37 (hg19) VCF-style: chr16-1544283-A-T.
Other names: c.1A>T, p.Met1Leu (NM_001351846.2); short protein forms M1L.
Identifiers: ClinVar variation 3766166 (VCV003766166.2).

ClinVar aggregate classification (germline): Likely pathogenic (1 of 4 stars; one submission).

Submission:

GeneDx
Classification: Likely pathogenic. Last evaluated: 2026-08-27. Review status: criteria provided, single submitter. Criteria: GeneDx Variant Classification Process June 2021. Collection method: clinical testing. Allele origin: germline.
Comment: Not observed at significant frequency in large population cohorts (gnomAD); Initiation codon variant in a gene for which loss of function is a known mechanism of disease; however downstream Methionines are observed and functional data are not available to determine whether this variant is disruptive in this transcript; Has not been previously published as pathogenic or benign to our knowledge